The following is an entry in ClinVar:

ClinVar aggregate classification (germline): Uncertain significance. Review status: criteria provided, multiple submitters, no conflicts (2 of 4 stars). 5 submissions from 5 submitters: Uncertain significance (5). Last evaluated 2024-09-27.

Conditions:
Congenital adrenal hyperplasia due to cytochrome P450 oxidoreductase deficiency. Also called: DISORDERED STEROIDOGENESIS DUE TO POR DEFICIENCY. Identifiers: Orphanet 95699, MedGen C1860042, MONDO:0013310, OMIM 613571.

Allele frequency attached by ClinVar (database versions not stated): ESP Exome Variant Server 0.00008; gnomAD exomes 0.00011 and 0.00017; gnomAD 0.00014 and 0.00015; TOPMed 0.00018; ExAC 0.00031.
gnomAD v4.1: 193 of 1,587,792 alleles (0.012%); highest among the groups gnomAD compares: Middle Eastern, 0.18%; no homozygotes.

Submissions (5):

ARUP Laboratories, Molecular Genetics and Genomics, ARUP Laboratories
Classification: Uncertain significance. Last evaluated: 2024-09-27. Review status: criteria provided, single submitter. Criteria: ARUP Molecular Germline Variant Investigation Process 2024. Collection method: clinical testing. Allele origin: germline.
Comment: The POR c.1709G>A; p.Arg570His variant (rs372955296), to our knowledge, is not reported in the medical literature but is reported in ClinVar (Variation ID: 1218162). This variant is found in the general population with an overall allele frequency of 0.02% (34/200,906 alleles) in the Genome Aggregation Database (v2.1.1). Computational analyses predict that this variant is deleterious (REVEL: 0.877). Due to limited information, the clinical significance of this variant is uncertain at this time.

Blueprint Genetics
Classification: Uncertain significance. Last evaluated: 2024-09-06. Review status: criteria provided, single submitter. Criteria: ACMG Guidelines, 2015. Collection method: clinical testing. Allele origin: germline.

Labcorp Genetics (formerly Invitae), Labcorp
Classification: Uncertain significance for Congenital adrenal hyperplasia due to cytochrome P450 oxidoreductase deficiency. Last evaluated: 2021-11-30. Review status: criteria provided, single submitter. Criteria: Invitae Variant Classification Sherloc (09022015). Collection method: clinical testing. Allele origin: germline.
Comment: This sequence change replaces arginine, which is basic and polar, with histidine, which is basic and polar, at codon 570 of the POR protein (p.Arg570His). This variant is present in population databases (rs372955296, gnomAD 0.1%). This variant has not been reported in the literature in individuals affected with POR-related conditions. ClinVar contains an entry for this variant (Variation ID: 1218162). Algorithms developed to predict the effect of missense changes on protein structure and function are either unavailable or do not agree on the potential impact of this missense change (SIFT: "Deleterious"; PolyPhen-2: "Probably Damaging"; Align-GVGD: "Class C0"). In summary, the available evidence is currently insufficient to determine the role of this variant in disease. Therefore, it has been classified as a Variant of Uncertain Significance.

GeneDx
Classification: Uncertain significance. Last evaluated: 2021-03-16. Review status: criteria provided, single submitter. Criteria: GeneDx Variant Classification Process June 2021. Collection method: clinical testing. Allele origin: germline. Affected: yes.
Comment: In silico analysis supports that this missense variant has a deleterious effect on protein structure/function; Has not been previously published as pathogenic or benign to our knowledge

Breakthrough Genomics
Classification: Uncertain significance. Review status: criteria provided, single submitter. Criteria: ACMG Guidelines, 2015. Collection method: not provided. Allele origin: germline. Inheritance: Autosomal recessive inheritance. Affected: yes.

NM_001395413.1(POR):c.1700G>A (p.Arg567His)

Gene: POR (cytochrome p450 oxidoreductase; plus strand). Cytogenetic location: 7q11.23.
Variant type: single nucleotide variant.
Coding change: c.1700G>A on transcript NM_001395413.1 (MANE Select); coding-DNA position 1700, G replaced by A.
Protein change: p.Arg567His; replaces arginine 567 with histidine.
Molecular consequence: missense variant.
Genome position (GRCh38, 1-based): chr7:75,985,962, G>A. VCF-style: chr7-75985962-G-A. GRCh37 (hg19) VCF-style: chr7-75615280-G-A.
Other names: c.1700G>A, p.Arg567His (NM_001367562.3, NM_001382657.2, NM_001382658.3 and 1 more transcripts); c.1754G>A, p.Arg585His (NM_001382655.3); c.1550G>A, p.Arg517His (NM_001382662.3); c.1709G>A (NM_000941.2); short protein forms R517H, R567H, R585H.
Identifiers: ClinVar variation 1218162 (VCV001218162.9), dbSNP rs372955296, ClinGen allele CA4304257.